The following is an entry in ClinVar:

ClinVar aggregate classification (germline): Uncertain significance. Review status: criteria provided, multiple submitters, no conflicts (2 of 4 stars). 2 submissions from 2 submitters: Uncertain significance (2). Last evaluated 2025-12-22.

Allele frequency attached by ClinVar (database versions not stated): TOPMed 0.00003; gnomAD 0.00006.
gnomAD v4.1: 106 of 1,611,854 alleles (0.0066%); highest among the groups gnomAD compares: East Asian, 0.025%; 1 homozygote.

Submissions (2):

Labcorp Genetics (formerly Invitae), Labcorp
Classification: Uncertain significance. Last evaluated: 2025-12-22. Review status: criteria provided, single submitter. Criteria: Invitae Variant Classification Sherloc (09022015). Collection method: clinical testing. Allele origin: germline.
Comment: This sequence change replaces arginine, which is basic and polar, with cysteine, which is neutral and slightly polar, at codon 1717 of the SBF1 protein (p.Arg1717Cys). This variant is present in population databases (rs750453086, gnomAD 0.03%). This variant has not been reported in the literature in individuals affected with SBF1-related conditions. ClinVar contains an entry for this variant (Variation ID: 2186023). An algorithm developed to predict the effect of missense changes on protein structure and function (PolyPhen-2) suggests that this variant is likely to be disruptive. In summary, the available evidence is currently insufficient to determine the role of this variant in disease. Therefore, it has been classified as a Variant of Uncertain Significance.

Ambry Genetics
Classification: Uncertain significance. Last evaluated: 2025-10-23. Review status: criteria provided, single submitter. Criteria: Ambry Variant Classification Scheme 2023. Collection method: clinical testing. Allele origin: germline.

NM_002972.4(SBF1):c.5149C>T (p.Arg1717Cys)

Gene: SBF1 (SET binding factor 1; minus strand). Cytogenetic location: 22q13.33.
Variant type: single nucleotide variant.
Coding change: c.5149C>T on transcript NM_002972.4 (MANE Select); coding-DNA position 5149, C replaced by T.
Protein change: p.Arg1717Cys; replaces arginine 1717 with cysteine.
Molecular consequence: missense variant.
Genome position (GRCh38, 1-based): chr22:50,448,545, G>A on the plus strand (C>T on the coding strand, the complement: SBF1 is on the minus strand). VCF-style: chr22-50448545-G-A. GRCh37 (hg19) VCF-style: chr22-50886974-G-A.
Other names: c.5074C>T, p.Arg1692Cys (NM_001365819.1); c.5152C>T, p.Arg1718Cys (NM_001410794.1); c.5071C>T, p.Arg1691Cys (NM_001410795.1); c.5149C>T, p.Arg1717Cys (NM_197971.1); c.5149C>T (NM_002972.2); short protein forms R1692C, R1691C, R1717C, R1718C.
Identifiers: ClinVar variation 2186023 (VCV002186023.5), dbSNP rs750453086, ClinGen allele CA10315979.